The following is an entry in ClinVar:

ClinVar aggregate classification (germline): Benign. Review status: criteria provided, multiple submitters, no conflicts (2 of 4 stars). 2 submissions from 2 submitters: Benign (2). Last evaluated 2026-03-01.

Conditions:
Epileptic encephalopathy. Identifiers: MedGen C0543888, HP:0200134.

Allele frequency attached by ClinVar (database versions not stated): ESP Exome Variant Server 0.00008; TOPMed 0.00033; 1000 Genomes Project 0.00300; 1000 Genomes Project 30x 0.00328.
gnomAD v4.1: 1,406 of 1,613,856 alleles (0.087%); highest among the groups gnomAD compares: South Asian, 1.2%; 13 homozygotes.

Submissions (2):

CeGaT Center for Human Genetics Tuebingen
Classification: Benign. Last evaluated: 2026-03-01. Review status: criteria provided, single submitter. Criteria: CeGaT Center For Human Genetics Tuebingen Variant Classification Criteria Version 2. Collection method: clinical testing. Allele origin: germline. Affected: yes. Observed: 1 variant allele.
Comment: RYR3: BP4, BP7, BS1, BS2

Labcorp Genetics (formerly Invitae), Labcorp
Classification: Benign for Epileptic encephalopathy. Last evaluated: 2023-09-07. Review status: criteria provided, single submitter. Criteria: Invitae Variant Classification Sherloc (09022015). Collection method: clinical testing. Allele origin: germline.

NM_001036.6(RYR3):c.78C>A (p.Ile26=)

Gene: RYR3 (ryanodine receptor 3; plus strand). Cytogenetic location: 15q14.
Variant type: single nucleotide variant.
Coding change: c.78C>A on transcript NM_001036.6 (MANE Select); coding-DNA position 78, C replaced by A.
Protein change: p.Ile26=; no amino-acid change (isoleucine 26 retained).
Molecular consequence: synonymous variant.
Genome position (GRCh38, 1-based): chr15:33,473,445, C>A. VCF-style: chr15-33473445-C-A. GRCh37 (hg19) VCF-style: chr15-33765646-C-A.
Other names: c.78C>A, p.Ile26= (NM_001243996.4).
Identifiers: ClinVar variation 461962 (VCV000461962.13), dbSNP rs199968653, ClinGen allele CA7457692.